The following is an entry in ClinVar:

NM_017763.6(RNF43):c.451-5T>C

Gene: RNF43 (ring finger protein 43; minus strand). Cytogenetic location: 17q22.
Variant type: single nucleotide variant.
Coding change: c.451-5T>C on transcript NM_017763.6 (MANE Select); 5 bases into the intron before coding-DNA position 451, T replaced by C.
Molecular consequence: intron variant.
Genome position (GRCh38, 1-based): chr17:58,363,411, A>G on the plus strand (T>C on the coding strand, the complement: RNF43 is on the minus strand). VCF-style: chr17-58363411-A-G. GRCh37 (hg19) VCF-style: chr17-56440772-A-G.
Other names: c.451-5T>C (NM_001438822.1, NM_001305544.3, NM_001438820.1 and 1 more transcripts); c.70-5T>C (NM_001305545.2, NM_001437987.1).
Identifiers: ClinVar variation 3789906 (VCV003789906.1).

ClinVar aggregate classification (germline): Uncertain significance (1 of 4 stars; one submission).

Submission:

Ambry Genetics
Classification: Uncertain significance. Last evaluated: 2025-01-31. Review status: criteria provided, single submitter. Criteria: Ambry Variant Classification Scheme 2023. Collection method: clinical testing. Allele origin: germline.
Comment: The c.451-5T>C intronic variant results from a T to C substitution 5 nucleotides upstream from coding exon 4 in the RNF43 gene. This nucleotide position is well conserved in available vertebrate species. In silico splice site analysis predicts that this alteration will not have any significant effect on splicing. The evidence for this gene-disease relationship is limited; therefore, the clinical significance of this alteration is unclear.